The following is an entry in ClinVar:

NM_001004127.3(ALG11):c.163A>G (p.Thr55Ala)

Gene: ALG11 (ALG11 alpha-1,2-mannosyltransferase; plus strand). Cytogenetic location: 13q14.3.
Variant type: single nucleotide variant.
Coding change: c.163A>G on transcript NM_001004127.3 (MANE Select); coding-DNA position 163, A replaced by G.
Protein change: p.Thr55Ala; replaces threonine 55 with alanine.
Molecular consequence: missense variant.
Genome position (GRCh38, 1-based): chr13:52,019,031, A>G. VCF-style: chr13-52019031-A-G. GRCh37 (hg19) VCF-style: chr13-52593167-A-G.
Other names: short protein forms T55A.
Identifiers: ClinVar variation 3372775 (VCV003372775.4).

ClinVar aggregate classification (germline): Uncertain significance. Review status: criteria provided, multiple submitters, no conflicts (2 of 4 stars). 2 submissions from 2 submitters: Uncertain significance (2). Last evaluated 2026-01-25.

Conditions:
ALG11-congenital disorder of glycosylation. Also called: CONGENITAL DISORDER OF GLYCOSYLATION, TYPE Ip; ALG11-CDG. Identifiers: Orphanet 280071, MedGen C3150913, MONDO:0013349, OMIM 613661.

gnomAD v4.1: 6 of 1,614,052 alleles (0.00037%); highest among the groups gnomAD compares: South Asian, 0.0022%; no homozygotes.

Submissions (2):

3billion
Classification: Uncertain significance for ALG11-congenital disorder of glycosylation. Last evaluated: 2026-01-25. Review status: criteria provided, single submitter. Criteria: ACMG Guidelines, 2015. Collection method: clinical testing. Allele origin: germline. Affected: yes.
Comment: The variant is observed at an extremely low frequency in the gnomAD v4.1.0 dataset (total allele frequency: <0.001%). Predicted Consequence/Location: Missense variant In silico tools predict the variant to alter splicing and produce an abnormal transcript [SpliceAI: 0.23 (>=0.2, moderate evidence for spliceogenicity)]. The same nucleotide change resulting in the same amino acid change has been previously reported to be associated with ALG11-related disorder (PMID: 38733638).The variant has been reported to be in trans with a pathogenic variant as either compound heterozygous or homozygous in at least one similarly affected unrelated individual (PMID: 38733638 /3billion dataset). Therefore, this variant is classified as VUS according to the recommendation of ACMG/AMP guideline.

GeneDx
Classification: Uncertain significance. Last evaluated: 2024-04-29. Review status: criteria provided, single submitter. Criteria: GeneDx Variant Classification Process June 2021. Collection method: clinical testing. Allele origin: germline. Affected: yes.
Comment: Not observed at significant frequency in large population cohorts (gnomAD); In silico analysis indicates that this missense variant does not alter protein structure/function; Has not been previously published as pathogenic or benign to our knowledge

Literature cited by the submitters: PubMed 38733638 (cited by 3billion).